The following is an entry in ClinVar:

NM_006759.4(UGP2):c.621C>T (p.Asp207=)

Gene: UGP2 (UDP-glucose pyrophosphorylase 2; plus strand). Cytogenetic location: 2p15.
Variant type: single nucleotide variant.
Coding change: c.621C>T on transcript NM_006759.4 (MANE Select); coding-DNA position 621, C replaced by T.
Protein change: p.Asp207=; no amino-acid change (aspartic acid 207 retained).
Molecular consequence: synonymous variant.
Genome position (GRCh38, 1-based): chr2:63,885,634, C>T. VCF-style: chr2-63885634-C-T. GRCh37 (hg19) VCF-style: chr2-64112768-C-T.
Other names: p.Asp207=; c.261C>T, p.Asp87= (NM_001377526.1, NM_001377527.1, NM_001377528.1 and 1 more transcripts); c.588C>T, p.Asp196= (NM_001001521.2, NM_001377524.1, NM_001377525.1).
Identifiers: ClinVar variation 4684575 (VCV004684575.1).

ClinVar aggregate classification (germline): Likely benign (1 of 4 stars; one submission).

gnomAD v4.1: 291 of 1,594,634 alleles (0.018%); highest among the groups gnomAD compares: African/African-American, 0.33%; no homozygotes.

Submission:

Mayo Clinic Laboratories, Mayo Clinic
Classification: Likely benign. Last evaluated: 2024-12-30. Review status: criteria provided, single submitter. Criteria: ACMG Guidelines, 2015. Collection method: clinical testing. Allele origin: germline. Observed: 1 variant allele.
Comment: BP4, BP7